The following is an entry in ClinVar:

ClinVar aggregate classification (germline): Benign (1 of 4 stars; one submission).

Allele frequency attached by ClinVar (database versions not stated): 1000 Genomes Project 0.13379; 1000 Genomes Project 30x 0.13960; TOPMed 0.15739; gnomAD 0.16786.
gnomAD v4.1: 140,188 of 1,019,688 alleles (14%); highest among the groups gnomAD compares: African/African-American, 24%; 11,037 homozygotes.

Submission:

GeneDx
Classification: Benign. Last evaluated: 2018-06-19. Review status: criteria provided, single submitter. Criteria: GeneDx Variant Classification (06012015). Collection method: clinical testing. Allele origin: germline. Affected: yes.
Comment: This variant is considered likely benign or benign based on one or more of the following criteria: it is a conservative change, it occurs at a poorly conserved position in the protein, it is predicted to be benign by multiple in silico algorithms, and/or has population frequency not consistent with disease.

NM_004519.4(KCNQ3):c.933+128A>T

Gene: KCNQ3 (potassium voltage-gated channel subfamily Q member 3; minus strand). Cytogenetic location: 8q24.22.
Variant type: single nucleotide variant.
Coding change: c.933+128A>T on transcript NM_004519.4 (MANE Select); 128 bases into the intron after coding-DNA position 933, A replaced by T.
Molecular consequence: intron variant.
Genome position (GRCh38, 1-based): chr8:132,175,325, T>A on the plus strand (A>T on the coding strand, the complement: KCNQ3 is on the minus strand). VCF-style: chr8-132175325-T-A. GRCh37 (hg19) VCF-style: chr8-133187572-T-A.
Other names: c.573+128A>T (NM_001204824.2).
Identifiers: ClinVar variation 682068 (VCV000682068.1), dbSNP rs75870584, ClinGen allele CA12798902.